The following is an entry in ClinVar:

ClinVar aggregate classification (germline): Uncertain significance (1 of 4 stars; one submission).

Conditions:
Hyperkalemic periodic paralysis. Also called: Familial hyperkalemic periodic paralysis; Gamstorp disease. Identifiers: Orphanet 682, MedGen C0238357, MONDO:0008224, OMIM 170500, HP:0007215.

gnomAD v4.1: 9 of 1,614,048 alleles (0.00056%); highest among the groups gnomAD compares: Non-Finnish European, 0.00076%; no homozygotes.

Submission:

Labcorp Genetics (formerly Invitae), Labcorp
Classification: Uncertain significance for Hyperkalemic periodic paralysis. Last evaluated: 2023-09-06. Review status: criteria provided, single submitter. Criteria: Invitae Variant Classification Sherloc (09022015). Collection method: clinical testing. Allele origin: germline.
Comment: This sequence change replaces leucine, which is neutral and non-polar, with phenylalanine, which is neutral and non-polar, at codon 472 of the SCN4A protein (p.Leu472Phe). This variant is not present in population databases (gnomAD no frequency). This variant has not been reported in the literature in individuals affected with SCN4A-related conditions. Advanced modeling of protein sequence and biophysical properties (such as structural, functional, and spatial information, amino acid conservation, physicochemical variation, residue mobility, and thermodynamic stability) has been performed at Invitae for this missense variant, however the output from this modeling did not meet the statistical confidence thresholds required to predict the impact of this variant on SCN4A protein function. In summary, the available evidence is currently insufficient to determine the role of this variant in disease. Therefore, it has been classified as a Variant of Uncertain Significance.

NM_000334.4(SCN4A):c.1414C>T (p.Leu472Phe)

Gene: SCN4A (sodium voltage-gated channel alpha subunit 4; minus strand). Cytogenetic location: 17q23.3.
Variant type: single nucleotide variant.
Coding change: c.1414C>T on transcript NM_000334.4 (MANE Select); coding-DNA position 1414, C replaced by T.
Protein change: p.Leu472Phe; replaces leucine 472 with phenylalanine.
Molecular consequence: missense variant.
Genome position (GRCh38, 1-based): chr17:63,964,506, G>A on the plus strand (C>T on the coding strand, the complement: SCN4A is on the minus strand). VCF-style: chr17-63964506-G-A. GRCh37 (hg19) VCF-style: chr17-62041866-G-A.
Other names: short protein forms L472F.
Identifiers: ClinVar variation 2871822 (VCV002871822.3), dbSNP rs746109162, ClinGen allele CA400634837.
Genomic context (GRCh38, chr17:63,964,506, plus strand): 5'-TCTCCTTTCCCTGAGTCCAGACCTTCTCCAGCTCCTCCTGGTGCTTTTTGAACTTCTCAA[G>A]CATCTGCTGAAACTCCTCCTCTTTCTCCTTATCCTCGGCCAGGGTGGCCTCATTCTGCTC-3'
Protein context (NP_000325.4, residues 462-482): KEKEEEFQQM[Leu472Phe]EKFKKHQEEL